The following is an entry in ClinVar:

NM_004656.4(BAP1):c.807G>A (p.Glu269=)

Gene: BAP1 (BRCA1 associated deubiquitinase 1; minus strand). Cytogenetic location: 3p21.1.
Variant type: single nucleotide variant.
Coding change: c.807G>A on transcript NM_004656.4 (MANE Select); coding-DNA position 807, G replaced by A.
Protein change: p.Glu269=; no amino-acid change (glutamic acid 269 retained).
Molecular consequence: synonymous variant.
Genome position (GRCh38, 1-based): chr3:52,405,889, C>T on the plus strand (G>A on the coding strand, the complement: BAP1 is on the minus strand). VCF-style: chr3-52405889-C-T. GRCh37 (hg19) VCF-style: chr3-52439905-C-T.
Other names: c.753G>A, p.Glu251= (NM_001410772.1).
Identifiers: ClinVar variation 1761902 (VCV001761902.6), dbSNP rs968487094, ClinGen allele CA74743050.

ClinVar aggregate classification (germline): Benign/Likely benign. Review status: criteria provided, multiple submitters, no conflicts (2 of 4 stars). 3 submissions from 3 submitters: Benign (1); Likely benign (2). Last evaluated 2025-09-19.

Conditions:
Hereditary cancer-predisposing syndrome. Also called: Neoplastic Syndromes, Hereditary; Tumor predisposition; Hereditary Cancer Syndrome; Hereditary neoplastic syndrome. Identifiers: Orphanet 140162, MedGen C0027672, MeSH D009386, MONDO:0015356.
BAP1-related tumor predisposition syndrome (TPDS1). Also called: Tumor susceptibility linked to germline BAP1 mutations; COMMON Syndrome; TUMOR PREDISPOSITION SYNDROME 1; BAP1 tumor predisposition syndrome. Identifiers: Orphanet 289539, MedGen C3280492, MONDO:0013692, OMIM 614327.

Allele frequency attached by ClinVar (database versions not stated): TOPMed 0.00001.

Submissions (3):

Labcorp Genetics (formerly Invitae), Labcorp
Classification: Likely benign for BAP1-related tumor predisposition syndrome. Last evaluated: 2025-09-19. Review status: criteria provided, single submitter. Criteria: Invitae Variant Classification Sherloc (09022015). Collection method: clinical testing. Allele origin: germline.

Myriad Genetics, Inc.
Classification: Benign for BAP1-related tumor predisposition syndrome. Last evaluated: 2024-07-15. Review status: criteria provided, single submitter. Criteria: Myriad Autosomal Dominant, Autosomal Recessive and X-Linked Classification Criteria (2023). Collection method: clinical testing. Allele origin: unknown.
Comment: This variant is considered benign. This variant is a silent/synonymous amino acid change and it is not expected to impact splicing.

Ambry Genetics
Classification: Likely benign for Hereditary cancer-predisposing syndrome. Last evaluated: 2020-03-16. Review status: criteria provided, single submitter. Criteria: Ambry Variant Classification Scheme 2023. Collection method: clinical testing. Allele origin: germline.